The following is an entry in ClinVar:

ClinVar aggregate classification (germline): Uncertain significance. Review status: criteria provided, multiple submitters, no conflicts (2 of 4 stars). 2 submissions from 2 submitters: Uncertain significance (2). Last evaluated 2025-12-29.

Conditions:
Cardiovascular phenotype. Identifiers: MedGen CN230736.
Progressive familial heart block type IB (PFHB1B). Identifiers: Orphanet 871, MedGen C1970298, MONDO:0011474, OMIM 604559.

Allele frequency attached by ClinVar (database versions not stated): TOPMed below 0.00001; gnomAD 0.00001.

Submissions (2):

Labcorp Genetics (formerly Invitae), Labcorp
Classification: Uncertain significance for Progressive familial heart block type IB. Last evaluated: 2025-12-29. Review status: criteria provided, single submitter. Criteria: Invitae Variant Classification Sherloc (09022015). Collection method: clinical testing. Allele origin: germline.
Comment: This sequence change replaces serine, which is neutral and polar, with asparagine, which is neutral and polar, at codon 148 of the TRPM4 protein (p.Ser148Asn). This variant is present in population databases (no rsID available, gnomAD 0.007%). This variant has not been reported in the literature in individuals affected with TRPM4-related conditions. ClinVar contains an entry for this variant (Variation ID: 3227029). An algorithm developed to predict the effect of missense changes on protein structure and function outputs the following: PolyPhen-2: "Benign". The asparagine amino acid residue is found in multiple mammalian species, which suggests that this missense change does not adversely affect protein function. In summary, the available evidence is currently insufficient to determine the role of this variant in disease. Therefore, it has been classified as a Variant of Uncertain Significance.

Ambry Genetics
Classification: Uncertain significance for Cardiovascular phenotype. Last evaluated: 2024-02-01. Review status: criteria provided, single submitter. Criteria: Ambry Variant Classification Scheme 2023. Collection method: clinical testing. Allele origin: germline.
Comment: The p.S148N variant (also known as c.443G>A), located in coding exon 4 of the TRPM4 gene, results from a G to A substitution at nucleotide position 443. The serine at codon 148 is replaced by asparagine, an amino acid with highly similar properties. This amino acid position is conserved. In addition, this alteration is predicted to be tolerated by in silico analysis. Based on the available evidence, the clinical significance of this alteration remains unclear.

NM_017636.4(TRPM4):c.443G>A (p.Ser148Asn)

Gene: TRPM4 (transient receptor potential cation channel subfamily M member 4; plus strand). Cytogenetic location: 19q13.33.
Variant type: single nucleotide variant.
Coding change: c.443G>A on transcript NM_017636.4 (MANE Select); coding-DNA position 443, G replaced by A.
Protein change: p.Ser148Asn; replaces serine 148 with asparagine.
Molecular consequence: missense variant. On other transcripts: intron variant (4).
Genome position (GRCh38, 1-based): chr19:49,168,092, G>A. VCF-style: chr19-49168092-G-A. GRCh37 (hg19) VCF-style: chr19-49671349-G-A.
Other names: c.443G>A, p.Ser148Asn (NM_001195227.2); c.-1105-168G>A (NM_001321282.2); c.268-461G>A (NM_001321281.2); c.-74-168G>A (NM_001321283.2); c.-237-461G>A (NM_001321285.2); short protein forms S148N.
Identifiers: ClinVar variation 3227029 (VCV003227029.2), dbSNP rs1317379544, ClinGen allele CA406790715.